The following is an entry in ClinVar:

NM_004958.4(MTOR):c.1226A>T (p.Asp409Val)

Gene: MTOR (mechanistic target of rapamycin kinase; minus strand). Cytogenetic location: 1p36.22.
Variant type: single nucleotide variant.
Coding change: c.1226A>T on transcript NM_004958.4 (MANE Select); coding-DNA position 1226, A replaced by T.
Protein change: p.Asp409Val; replaces aspartic acid 409 with valine.
Molecular consequence: missense variant. On other transcripts: 5 prime UTR variant (1).
Genome position (GRCh38, 1-based): chr1:11,243,300, T>A on the plus strand (A>T on the coding strand, the complement: MTOR is on the minus strand). VCF-style: chr1-11243300-T-A. GRCh37 (hg19) VCF-style: chr1-11303357-T-A.
Other names: p.Asp409Val; c.1226A>T, p.Asp409Val (NM_001386500.1); c.-23A>T (NM_001386501.1); short protein forms D409V.
Identifiers: ClinVar variation 2683692 (VCV002683692.4), dbSNP rs2100922903, ClinGen allele CA338397288.

ClinVar aggregate classification (germline): Conflicting classifications of pathogenicity. Review status: criteria provided, conflicting classifications (1 of 4 stars). 2 submissions from 2 submitters: Uncertain significance (1); Likely benign (1). Last evaluated 2024-01-17.

Allele frequency attached by ClinVar (database versions not stated): gnomAD exomes below 0.00001.
gnomAD v4.1: 1 of 1,613,726 alleles (0.000062%); no homozygotes.

Submissions (2):

Labcorp Genetics (formerly Invitae), Labcorp
Classification: Likely benign. Last evaluated: 2024-01-17. Review status: criteria provided, single submitter. Criteria: Invitae Variant Classification Sherloc (09022015). Collection method: clinical testing. Allele origin: germline.

Mayo Clinic Laboratories, Mayo Clinic
Classification: Uncertain significance. Last evaluated: 2022-11-17. Review status: criteria provided, single submitter. Criteria: ACMG Guidelines, 2015. Collection method: clinical testing. Allele origin: germline. Observed: 1 variant allele.
Comment: BP4, PM2